The following is an entry in ClinVar:

NM_006648.4(WNK2):c.4252G>A (p.Gly1418Arg)

Gene: WNK2 (WNK lysine deficient protein kinase 2; plus strand). Cytogenetic location: 9q22.31.
Variant type: single nucleotide variant.
Coding change: c.4252G>A on transcript NM_006648.4 (MANE Select); coding-DNA position 4252, G replaced by A.
Protein change: p.Gly1418Arg; replaces glycine 1418 with arginine.
Molecular consequence: missense variant.
Genome position (GRCh38, 1-based): chr9:93,289,006, G>A. VCF-style: chr9-93289006-G-A. GRCh37 (hg19) VCF-style: chr9-96051288-G-A.
Other names: c.4363G>A, p.Gly1455Arg (NM_001282394.3); short protein forms G1418R, G1455R.
Identifiers: ClinVar variation 3470456 (VCV003470456.1).

ClinVar aggregate classification (germline): Uncertain significance (1 of 4 stars; one submission).

gnomAD v4.1: 1 of 1,601,616 alleles (0.000062%); highest among the groups gnomAD compares: Non-Finnish European, 0.000085%; no homozygotes.

Submission:

Ambry Genetics
Classification: Uncertain significance. Last evaluated: 2024-11-26. Review status: criteria provided, single submitter. Criteria: Ambry Variant Classification Scheme 2023. Collection method: clinical testing. Allele origin: germline.
Comment: The p.G1418R variant (also known as c.4252G>A), located in coding exon 19 of the WNK2 gene, results from a G to A substitution at nucleotide position 4252. The glycine at codon 1418 is replaced by arginine, an amino acid with dissimilar properties. This amino acid position is conserved. In addition, this alteration is predicted to be tolerated by in silico analysis. Based on the available evidence, the clinical significance of this variant remains unclear.